The following is an entry in ClinVar:

ClinVar aggregate classification (germline): Uncertain significance. Review status: criteria provided, multiple submitters, no conflicts (2 of 4 stars). 5 submissions from 5 submitters: Uncertain significance (5). Last evaluated 2024-10-04.

Conditions:
Congenital dyserythropoietic anemia, type I. Also called: Dyserythropoietic anemia, congenital type 1. Identifiers: Orphanet 98869, MedGen C0271933, MONDO:0020337. Disease mechanism: loss of function.
Anemia, congenital dyserythropoietic, type 1a (CDAN1A). Also called: CDAN1-Related Congenital Dyserythropoietic Anemia; DYSERYTHROPOIETIC ANEMIA, CONGENITAL, TYPE Ia. Identifiers: MedGen C5574667, MONDO:0009135, OMIM 224120.
Inborn genetic diseases. Identifiers: MedGen C0950123, MeSH D030342.

Allele frequency attached by ClinVar (database versions not stated): ESP Exome Variant Server 0.00015; ExAC 0.00018; gnomAD exomes 0.00019 and 0.00020; gnomAD 0.00021 and 0.00023; TOPMed 0.00025.
gnomAD v4.1: 319 of 1,613,862 alleles (0.02%); highest among the groups gnomAD compares: Non-Finnish European, 0.019%; no homozygotes.

Submissions (5):

Mayo Clinic Laboratories, Mayo Clinic
Classification: Uncertain significance. Last evaluated: 2024-10-04. Review status: criteria provided, single submitter. Criteria: ACMG Guidelines, 2015. Collection method: clinical testing. Allele origin: germline. Observed: 3 variant alleles.

Revvity Omics, Revvity
Classification: Uncertain significance for Anemia, congenital dyserythropoietic, type 1a. Last evaluated: 2023-10-25. Review status: criteria provided, single submitter. Criteria: ACMG Guidelines, 2015. Collection method: clinical testing. Allele origin: germline.

Ambry Genetics
Classification: Uncertain significance for Inborn genetic diseases. Last evaluated: 2023-10-06. Review status: criteria provided, single submitter. Criteria: Ambry Variant Classification Scheme 2023. Collection method: clinical testing. Allele origin: germline.

Labcorp Genetics (formerly Invitae), Labcorp
Classification: Uncertain significance. Last evaluated: 2022-04-04. Review status: criteria provided, single submitter. Criteria: Invitae Variant Classification Sherloc (09022015). Collection method: clinical testing. Allele origin: germline.
Comment: This sequence change replaces arginine, which is basic and polar, with glutamine, which is neutral and polar, at codon 946 of the CDAN1 protein (p.Arg946Gln). This variant is present in population databases (rs142833783, gnomAD 0.2%). This variant has not been reported in the literature in individuals affected with CDAN1-related conditions. ClinVar contains an entry for this variant (Variation ID: 887006). Algorithms developed to predict the effect of missense changes on protein structure and function output the following: SIFT: "Tolerated"; PolyPhen-2: "Benign"; Align-GVGD: "Class C0". The glutamine amino acid residue is found in multiple mammalian species, which suggests that this missense change does not adversely affect protein function. In summary, the available evidence is currently insufficient to determine the role of this variant in disease. Therefore, it has been classified as a Variant of Uncertain Significance.

Illumina Laboratory Services, Illumina
Classification: Uncertain significance for Anemia, congenital dyserythropoietic, type 1a. Last evaluated: 2018-01-13. Review status: criteria provided, single submitter. Criteria: ICSL Variant Classification Criteria 13 December 2019. Collection method: clinical testing. Allele origin: germline.

NM_138477.4(CDAN1):c.2837G>A (p.Arg946Gln)

Gene: CDAN1 (codanin 1; minus strand). Cytogenetic location: 15q15.2.
Variant type: single nucleotide variant.
Coding change: c.2837G>A on transcript NM_138477.4 (MANE Select); coding-DNA position 2837, G replaced by A.
Protein change: p.Arg946Gln; replaces arginine 946 with glutamine.
Molecular consequence: missense variant.
Genome position (GRCh38, 1-based): chr15:42,728,235, C>T on the plus strand (G>A on the coding strand, the complement: CDAN1 is on the minus strand). VCF-style: chr15-42728235-C-T. GRCh37 (hg19) VCF-style: chr15-43020433-C-T.
Other names: p.Arg946Gln; short protein forms R946Q.
Identifiers: ClinVar variation 887006 (VCV000887006.8), dbSNP rs142833783, ClinGen allele CA7515439.